The following is an entry in ClinVar:

NM_003611.3(OFD1):c.2387+1G>A

Gene: OFD1 (OFD1 centriole and centriolar satellite protein; plus strand). Cytogenetic location: Xp22.2.
Variant type: single nucleotide variant.
Coding change: c.2387+1G>A on transcript NM_003611.3 (MANE Select); the canonical splice donor site of the intron after coding-DNA position 2387, G replaced by A.
Molecular consequence: splice donor variant.
Genome position (GRCh38, 1-based): chrX:13,761,212, G>A. VCF-style: chrX-13761212-G-A. GRCh37 (hg19) VCF-style: chrX-13779331-G-A.
Other names: c.1967+1G>A (NM_001330210.2); c.2267+1G>A (NM_001330209.2).
Identifiers: ClinVar variation 976442 (VCV000976442.1), dbSNP rs2047914412, ClinGen allele CA412345143.

ClinVar aggregate classification (germline): Likely pathogenic (0 of 4 stars; one submission).

Conditions:
Joubert syndrome 10 (JBTS10). Identifiers: Orphanet 2754, MedGen C2749019, MONDO:0010431, OMIM 300804.

Submission:

Clinical Genomics Laboratory, Stanford Medicine
Classification: Likely pathogenic for Joubert syndrome 10. Last evaluated: 2019-05-10. Review status: no assertion criteria provided. Collection method: clinical testing. Allele origin: germline. Inheritance: X-linked recessive inheritance. Affected: yes.
Comment: The c.2387+1G>A variant in the OFD1 gene has not been previously reported in association with disease, and is absent from large population databases, including the Genome Aggregation Database. This variant alters the canonical donor splice site in intron 17, which is predicted to result in abnormal gene splicing. These data were assessed using the ACMG/AMP variant interpretation guidelines. In summary, there is sufficient evidence to classify the c.2387+1G>A variant as likely pathogenic for OFD1-associated syndromes in an X-linked recessive manner based on the information above. [ACMG evidence codes used: PM2; PVS1_Strong]